The following is an entry in ClinVar:

ClinVar aggregate classification (germline): not provided (0 of 4 stars; one submission).

Conditions:
Normal pregnancy. Identifiers: MedGen C0232989.

Submission:

Institute of Molecular and Cell Biology, University of Tartu
No classification provided. Condition: Normal pregnancy. Review status: no classification provided. Collection method: case-control. Allele origin: unknown. Affected: yes. Study: Kasak2014.
Comment: The study aimed to determine the contribution of copy number variants in the genetic etiology of normal and complicated pregnancies. The samples represented (i) maternal blood DNA drawn from healthy pregnant women during 1st or 2nd trimester and (ii) maternal and paternal blood DNA drawn at term pregnancy cases representing normal and complicated gestations (severe preeclampsia, PE; gestational diabetes, GD; small-for-gestational age newborn, SGA; large-for-gestational age newborn, LGA). We performed CNV calling based on genome-wide genotyping dataset (Illumina HumanOmniExpress-24-v1 BeadChip) by applying three algorithms, QuantiSNP, GADA (Genome Alteration Detection Algorithm) and CNstream in parallel. The acquired CNV calls were merged with HD-CNV (Hotspot Detector for Copy Number Variants) program and only the CNVs predicted by at least two programs, were considered in subsequent analysis.

Literature cited by the submitters: PubMed 25666259.

NC_000007.13:g.111433419_111630024del

Gene: DOCK4 (dedicator of cytokinesis 4; minus strand). Cytogenetic location: 7q31.1.
Variant type: Deletion.
Identifiers: ClinVar variation 157071 (VCV000157071.2).